The following is an entry in ClinVar:

NM_002336.3(LRP6):c.1078C>T (p.Arg360Cys)

Gene: LRP6 (LDL receptor related protein 6; minus strand). Cytogenetic location: 12p13.2.
Variant type: single nucleotide variant.
Coding change: c.1078C>T on transcript NM_002336.3 (MANE Select); coding-DNA position 1078, C replaced by T.
Protein change: p.Arg360Cys; replaces arginine 360 with cysteine.
Molecular consequence: missense variant.
Genome position (GRCh38, 1-based): chr12:12,181,338, G>A on the plus strand (C>T on the coding strand, the complement: LRP6 is on the minus strand). VCF-style: chr12-12181338-G-A. GRCh37 (hg19) VCF-style: chr12-12334272-G-A.
Other names: c.1078C>T, p.Arg360Cys (NM_001414244.1, NM_001414245.1, NM_001414246.1 and 5 more transcripts); c.880C>T, p.Arg294Cys (NM_001414247.1); c.625C>T, p.Arg209Cys (NM_001414252.1, NM_001414253.1, NM_001414254.1); short protein forms R294C, R209C, R360C.
Identifiers: ClinVar variation 2150282 (VCV002150282.4), dbSNP rs768649725, ClinGen allele CA6455733.

ClinVar aggregate classification (germline): Uncertain significance (1 of 4 stars; one submission).

Allele frequency attached by ClinVar (database versions not stated): gnomAD 0.00001; ExAC 0.00002; gnomAD exomes 0.00002; TOPMed 0.00002.
gnomAD v4.1: 29 of 1,613,704 alleles (0.0018%); highest among the groups gnomAD compares: Non-Finnish European, 0.0024%; no homozygotes.

Submission:

Labcorp Genetics (formerly Invitae), Labcorp
Classification: Uncertain significance. Last evaluated: 2024-07-03. Review status: criteria provided, single submitter. Criteria: Invitae Variant Classification Sherloc (09022015). Collection method: clinical testing. Allele origin: germline.
Comment: This sequence change replaces arginine, which is basic and polar, with cysteine, which is neutral and slightly polar, at codon 360 of the LRP6 protein (p.Arg360Cys). This variant is present in population databases (rs768649725, gnomAD 0.005%). This variant has not been reported in the literature in individuals affected with LRP6-related conditions. ClinVar contains an entry for this variant (Variation ID: 2150282). Advanced modeling of protein sequence and biophysical properties (such as structural, functional, and spatial information, amino acid conservation, physicochemical variation, residue mobility, and thermodynamic stability) performed at Invitae indicates that this missense variant is not expected to disrupt LRP6 protein function with a negative predictive value of 80%. In summary, the available evidence is currently insufficient to determine the role of this variant in disease. Therefore, it has been classified as a Variant of Uncertain Significance.